The following is an entry in ClinVar:

NM_173354.5(SIK1):c.955C>T (p.Arg319Trp)

Gene: SIK1 (salt inducible kinase 1; minus strand). Cytogenetic location: 21q22.3.
Variant type: single nucleotide variant.
Coding change: c.955C>T on transcript NM_173354.5 (MANE Select); coding-DNA position 955, C replaced by T.
Protein change: p.Arg319Trp; replaces arginine 319 with tryptophan.
Molecular consequence: missense variant.
Genome position (GRCh38, 1-based): chr21:43,420,251, G>A on the plus strand (C>T on the coding strand, the complement: SIK1 is on the minus strand). VCF-style: chr21-43420251-G-A. GRCh37 (hg19) VCF-style: chr21-44840131-G-A.
Other names: short protein forms R319W.
Identifiers: ClinVar variation 855574 (VCV000855574.6), dbSNP rs759268634, ClinGen allele CA321326713.

ClinVar aggregate classification (germline): Uncertain significance. Review status: criteria provided, multiple submitters, no conflicts (2 of 4 stars). 2 submissions from 2 submitters: Uncertain significance (2). Last evaluated 2021-08-30.

Conditions:
Developmental and epileptic encephalopathy, 30 (DEE30). Also called: Epileptic encephalopathy, early infantile, 30. Identifiers: MedGen C4225360, MONDO:0014595, OMIM 616341.

Allele frequency attached by ClinVar (database versions not stated): ExAC 0.00003; gnomAD exomes 0.00003.

Submissions (2):

Labcorp Genetics (formerly Invitae), Labcorp
Classification: Uncertain significance for Developmental and epileptic encephalopathy, 30. Last evaluated: 2021-08-30. Review status: criteria provided, single submitter. Criteria: Invitae Variant Classification Sherloc (09022015). Collection method: clinical testing. Allele origin: germline.

Center for Genomics, Ann and Robert H. Lurie Children's Hospital of Chicago
Classification: Uncertain significance for Developmental and epileptic encephalopathy, 30. Last evaluated: 2021-03-30. Review status: criteria provided, single submitter. Criteria: ACMG Guidelines, 2015. Collection method: clinical testing. Allele origin: germline.
Comment: SIK1 NM_173354.4 exon 8 p.Arg319Trp (c.955C>T): This variant has not been reported in the literature but is present in 5/108982 European alleles in the Genome Aggregation Database. Evolutionary conservation and computational predictive tools suggest that this variant may impact the protein. In summary, data on this variant is insufficient for disease classification. Therefore, the clinical significance of this variant is uncertain.